The following is an entry in ClinVar:

ClinVar aggregate classification (germline): Uncertain significance (0 of 4 stars; one submission).

Submission:

Richard Lifton Laboratory, Yale University School of Medicine
Classification: Uncertain significance. Review status: no assertion criteria provided. Collection method: not provided. Allele origin: somatic.
Comment: ATP13A2
ClinVar note: Converted during submission from unknown to Uncertain significance.

NM_022089.4(ATP13A2):c.237C>G (p.Pro79=)

Gene: ATP13A2 (ATPase cation transporting 13A2; minus strand). Cytogenetic location: 1p36.13.
Variant type: single nucleotide variant.
Coding change: c.237C>G on transcript NM_022089.4 (MANE Select); coding-DNA position 237, C replaced by G.
Protein change: p.Pro79=; no amino-acid change (proline 79 retained).
Molecular consequence: synonymous variant.
Genome position (GRCh38, 1-based): chr1:17,005,425, G>C on the plus strand (C>G on the coding strand, the complement: ATP13A2 is on the minus strand). VCF-style: chr1-17005425-G-C. GRCh37 (hg19) VCF-style: chr1-17331920-G-C.
Other names: c.237C>G, p.Pro79= (NM_001141973.3, NM_001141974.3).
Identifiers: ClinVar variation 92011 (VCV000092011.2), dbSNP rs386352280, ClinGen allele CA232347.